The following is an entry in ClinVar:

NM_022124.6(CDH23):c.4843T>C (p.Ser1615Pro)

Gene: CDH23 (cadherin related 23; plus strand). Cytogenetic location: 10q22.1.
Variant type: single nucleotide variant.
Coding change: c.4843T>C on transcript NM_022124.6 (MANE Select); coding-DNA position 4843, T replaced by C.
Protein change: p.Ser1615Pro; replaces serine 1615 with proline.
Molecular consequence: missense variant.
Genome position (GRCh38, 1-based): chr10:71,741,919, T>C. VCF-style: chr10-71741919-T-C. GRCh37 (hg19) VCF-style: chr10-73501676-T-C.
Other names: short protein forms S1615P.
Identifiers: ClinVar variation 4535495 (VCV004535495.1).

ClinVar aggregate classification (germline): Uncertain significance (1 of 4 stars; one submission).

gnomAD v4.1: 2 of 1,589,132 alleles (0.00013%); highest among the groups gnomAD compares: Admixed American, 0.0017%; no homozygotes.

Submission:

Women's Health and Genetics/Laboratory Corporation of America, LabCorp
Classification: Uncertain significance. Last evaluated: 2025-09-16. Review status: criteria provided, single submitter. Criteria: LabCorp Variant Classification Summary - May 2015. Collection method: clinical testing. Allele origin: germline.
Comment: Variant summary: CDH23 c.4843T>C (p.Ser1615Pro) results in a non-conservative amino acid change in the encoded protein sequence. Algorithms developed to predict the effect of missense changes on protein structure and function are either unavailable or do not agree on the potential impact of this missense change. Consensus agreement among computation tools predict no significant impact on normal splicing. However, these predictions have yet to be confirmed by functional studies. The variant was absent in 205490 control chromosomes (gnomAD). The available data on variant occurrences in the general population are insufficient to allow any conclusion about variant significance. c.4843T>C has been observed in an individual affected with hearing loss (Sloan-Heggen_2016). These data do not allow any conclusion about variant significance. To our knowledge, no experimental evidence demonstrating an impact on protein function has been reported. The following publication has been ascertained in the context of this evaluation (PMID: 26969326). No submitters have cited clinical-significance assessments for this variant to ClinVar. Based on the evidence outlined above, the variant was classified as uncertain significance.

Literature cited by the submitters: PubMed 26969326.